The following is an entry in ClinVar:

ClinVar aggregate classification (germline): Uncertain significance (1 of 4 stars; one submission).

Submission:

Labcorp Genetics (formerly Invitae), Labcorp
Classification: Uncertain significance. Last evaluated: 2024-08-31. Review status: criteria provided, single submitter. Criteria: Invitae Variant Classification Sherloc (09022015). Collection method: clinical testing. Allele origin: germline.
Comment: This sequence change replaces valine, which is neutral and non-polar, with methionine, which is neutral and non-polar, at codon 191 of the NOG protein (p.Val191Met). This variant is not present in population databases (gnomAD no frequency). This variant has not been reported in the literature in individuals affected with NOG-related conditions. An algorithm developed to predict the effect of missense changes on protein structure and function (PolyPhen-2) suggests that this variant is likely to be disruptive. In summary, the available evidence is currently insufficient to determine the role of this variant in disease. Therefore, it has been classified as a Variant of Uncertain Significance.

NM_005450.6(NOG):c.571G>A (p.Val191Met)

Gene: NOG (noggin; plus strand). Cytogenetic location: 17q22.
Variant type: single nucleotide variant.
Coding change: c.571G>A on transcript NM_005450.6 (MANE Select); coding-DNA position 571, G replaced by A.
Protein change: p.Val191Met; replaces valine 191 with methionine.
Molecular consequence: missense variant.
Genome position (GRCh38, 1-based): chr17:56,594,794, G>A. VCF-style: chr17-56594794-G-A. GRCh37 (hg19) VCF-style: chr17-54672155-G-A.
Other names: short protein forms V191M.
Identifiers: ClinVar variation 3691719 (VCV003691719.2).